The following is an entry in ClinVar:

ClinVar aggregate classification (germline): Uncertain significance (1 of 4 stars; one submission).

Conditions:
Inborn genetic diseases. Identifiers: MedGen C0950123, MeSH D030342.

Submission:

Ambry Genetics
Classification: Uncertain significance for Inborn genetic diseases. Last evaluated: 2026-03-13. Review status: criteria provided, single submitter. Criteria: Ambry Variant Classification Scheme 2023. Collection method: clinical testing. Allele origin: germline.
Comment: The p.P447A variant (also known as c.1339C>G), located in coding exon 12 of the ASXL1 gene, results from a C to G substitution at nucleotide position 1339. The proline at codon 447 is replaced by alanine, an amino acid with highly similar properties. This amino acid position is conserved. In addition, this alteration is predicted to be tolerated by in silico analysis. Based on the available evidence, the clinical significance of this variant remains unclear.

NM_015338.6(ASXL1):c.1339C>G (p.Pro447Ala)

Gene: ASXL1 (ASXL transcriptional regulator 1; plus strand). Cytogenetic location: 20q11.21.
Variant type: single nucleotide variant.
Coding change: c.1339C>G on transcript NM_015338.6 (MANE Select); coding-DNA position 1339, C replaced by G.
Protein change: p.Pro447Ala; replaces proline 447 with alanine.
Molecular consequence: missense variant.
Genome position (GRCh38, 1-based): chr20:32,433,537, C>G. VCF-style: chr20-32433537-C-G. GRCh37 (hg19) VCF-style: chr20-31021340-C-G.
Other names: c.1156C>G, p.Pro386Ala (NM_001363734.1); short protein forms P447A, P386A.
Identifiers: ClinVar variation 4827440 (VCV004827440.1).